The following is an entry in ClinVar:

ClinVar aggregate classification (germline): Likely benign (0 of 4 stars; one submission).

Conditions:
POLR3B-related disorder. Also called: POLR3B-related condition; POLR3B-related disorders. Identifiers: MedGen CN378588, MONDO:0700277.

Allele frequency attached by ClinVar (database versions not stated): gnomAD exomes below 0.00001; TOPMed below 0.00001.
gnomAD v4.1: 2 of 1,587,020 alleles (0.00013%); highest among the groups gnomAD compares: Admixed American, 0.0017%; no homozygotes.

Submission:

PreventionGenetics, part of Exact Sciences
Classification: Likely benign for POLR3B-related condition. Last evaluated: 2021-12-15. Review status: no assertion criteria provided. Collection method: clinical testing. Allele origin: germline.
Comment: This variant is classified as likely benign based on ACMG/AMP sequence variant interpretation guidelines (Richards et al. 2015 PMID: 25741868, with internal and published modifications).

NM_018082.6(POLR3B):c.2463A>G (p.Val821=)

Gene: POLR3B (RNA polymerase III subunit B; plus strand). Cytogenetic location: 12q23.3.
Variant type: single nucleotide variant.
Coding change: c.2463A>G on transcript NM_018082.6 (MANE Select); coding-DNA position 2463, A replaced by G.
Protein change: p.Val821=; no amino-acid change (valine 821 retained).
Molecular consequence: synonymous variant.
Genome position (GRCh38, 1-based): chr12:106,459,261, A>G. VCF-style: chr12-106459261-A-G. GRCh37 (hg19) VCF-style: chr12-106853039-A-G.
Other names: c.2289A>G, p.Val763= (NM_001160708.2).
Identifiers: ClinVar variation 3061733 (VCV003061733.2), dbSNP rs34681274, ClinGen allele CA243209259.